The following is an entry in ClinVar:

ClinVar aggregate classification (germline): Pathogenic (1 of 4 stars; one submission).

Conditions:
Combined immunodeficiency due to DOCK8 deficiency (HIES2). Also called: HIES autosomal recessive; Hyper-IgE recurrent infection syndrome, autosomal recessive; HYPER-IgE RECURRENT INFECTION SYNDROME 2, AUTOSOMAL RECESSIVE; HYPER-IgE SYNDROME 2, AUTOSOMAL RECESSIVE, WITH RECURRENT INFECTIONS; DOCK8 Deficiency. Identifiers: Orphanet 217390, MedGen C4722305, MONDO:0009478, OMIM 243700.

Submission:

Labcorp Genetics (formerly Invitae), Labcorp
Classification: Pathogenic for Combined immunodeficiency due to DOCK8 deficiency. Last evaluated: 2023-10-13. Review status: criteria provided, single submitter. Criteria: Invitae Variant Classification Sherloc (09022015). Collection method: clinical testing. Allele origin: germline.
Comment: This sequence change creates a premature translational stop signal (p.Cys170*) in the DOCK8 gene. It is expected to result in an absent or disrupted protein product. Loss-of-function variants in DOCK8 are known to be pathogenic (PMID: 14722525, 19776401). This variant is not present in population databases (gnomAD no frequency). This variant has not been reported in the literature in individuals affected with DOCK8-related conditions. For these reasons, this variant has been classified as Pathogenic.

Literature cited by the submitters: PubMed 14722525; PubMed 19776401.

NM_203447.4(DOCK8):c.510C>A (p.Cys170Ter)

Gene: DOCK8 (dedicator of cytokinesis 8; plus strand). Cytogenetic location: 9p24.3.
Variant type: single nucleotide variant.
Coding change: c.510C>A on transcript NM_203447.4 (MANE Select); coding-DNA position 510, C replaced by A.
Protein change: p.Cys170Ter; replaces cysteine 170 with a stop codon.
Molecular consequence: nonsense.
Genome position (GRCh38, 1-based): chr9:304,686, C>A. VCF-style: chr9-304686-C-A. GRCh37 (hg19) VCF-style: chr9-304686-C-A.
Other names: c.306C>A, p.Cys102Ter (NM_001190458.2, NM_001193536.2); short protein forms C102*, C170*.
Identifiers: ClinVar variation 2851743 (VCV002851743.3), dbSNP rs2537713873, ClinGen allele CA372758954.